The following is an entry in ClinVar:

ClinVar aggregate classification (germline): Likely pathogenic (1 of 4 stars; one submission).

Conditions:
Hypertrophic cardiomyopathy 4. Also called: Familial hypertrophic cardiomyopathy 4. Identifiers: MedGen C1861862, MONDO:0007268, OMIM 115197.

Submission:

Center for Human Genetics and Genomic Medicine, Uniklinik Rwth Aachen
Classification: Likely pathogenic for Hypertrophic cardiomyopathy 4. Last evaluated: 2024-02-01. Review status: criteria provided, single submitter. Criteria: ACMG Guidelines, 2015. Collection method: clinical testing. Allele origin: unknown. Inheritance: Autosomal dominant inheritance. Affected: yes. Observed: 1 heterozygote.
Comment: To date, this variant is not listed in population databases (gnomAD v4.0.0) and has not been reported in the literature in individuals with MYBCP3-related conditions. The sequence change results in a translational frameshift with a predicted alternate stop codon. LOF is a known mechanism of MYBPC3-related disease. Therefore, this variant has been classified as “likely pathogenic”.

NM_000256.3(MYBPC3):c.2595delinsATA (p.Met865fs)

Gene: MYBPC3 (myosin binding protein C3; minus strand). Cytogenetic location: 11p11.2.
Variant type: Indel.
Coding change: c.2595delinsATA on transcript NM_000256.3 (MANE Select); coding-DNA position 2595, G replaced by ATA.
Protein change: p.Met865fs; shifts the reading frame from methionine 865.
Molecular consequence: frameshift variant.
Genome position (GRCh38, 1-based): chr11:47,337,398, C replaced by TAT on the plus strand (G replaced by ATA on the coding strand, the reverse complement: MYBPC3 is on the minus strand). VCF-style: chr11-47337398-C-TAT. GRCh37 (hg19) VCF-style: chr11-47358949-C-TAT.
Other names: short protein forms M865fs.
Identifiers: ClinVar variation 3391174 (VCV003391174.1).